The following is an entry in ClinVar:

ClinVar aggregate classification (germline): Conflicting classifications of pathogenicity. Review status: criteria provided, conflicting classifications (1 of 4 stars). 14 submissions from 14 submitters: Uncertain significance (12); Likely benign (1). 1 of the submissions does not count toward it. Last evaluated 2025-06-11.

Conditions:
NBN-related disorder. Also called: NBN-related condition.
Hereditary cancer-predisposing syndrome. Also called: Neoplastic Syndromes, Hereditary; Tumor predisposition; Hereditary Cancer Syndrome; Hereditary neoplastic syndrome. Identifiers: Orphanet 140162, MedGen C0027672, MeSH D009386, MONDO:0015356.
Aplastic anemia. Identifiers: Orphanet 182040, Orphanet 88, MedGen C0002874, MONDO:0015909, OMIM 609135, HP:0001915.
Microcephaly, normal intelligence and immunodeficiency (NBS). Also called: SEEMANOVA SYNDROME II; Microcephaly with normal intelligence immunodeficiency and lymphoreticular malignancies; Nonsyndromal microcephaly autosomal recessive with normal intelligence; Seemanova syndrome 2; IMMUNODEFICIENCY, MICROCEPHALY, AND CHROMOSOMAL INSTABILITY; Immunodeficiency, microcephaly with normal intelligence. Identifiers: Orphanet 647, MedGen C0398791, MONDO:0009623, OMIM 251260.
Acute lymphoid leukemia (ALL). Also called: Lymphoblastic leukemia; Acute lymphoblastic leukemia; Acute lymphocytic leukemia; Leukemia, acute lymphoblastic, somatic. Identifiers: Orphanet 513, MedGen C0023449, MONDO:0004967, OMIM 613065, HP:0006721.
Hereditary breast ovarian cancer syndrome. Also called: BRCA1- and BRCA2-Associated Hereditary Breast and Ovarian Cancer; Hereditary breast and ovarian cancer; Hereditary breast and ovarian cancer syndrome; Hereditary breast and ovarian cancer syndrome (HBOC); Breast and ovarian cancer; Hereditary breast and/or ovarian cancer syndrome. Identifiers: Orphanet 145, MedGen C0677776, MeSH D061325, MONDO:0003582. Disease mechanism: loss of function.

Allele frequency attached by ClinVar (database versions not stated): ExAC 0.00008; ESP Exome Variant Server 0.00008; gnomAD 0.00011 and 0.00012; TOPMed 0.00013; 1000 Genomes Project 0.00020; 1000 Genomes Project 30x 0.00031.
gnomAD v4.1: 97 of 1,589,330 alleles (0.0061%); highest among the groups gnomAD compares: East Asian, 0.096%; no homozygotes.

Submissions (14):

PreventionGenetics, part of Exact Sciences
Classification: Uncertain significance for NBN-related condition. Last evaluated: 2025-06-11. Review status: criteria provided, single submitter. Criteria: ACMG Guidelines, 2015. Collection method: clinical testing. Allele origin: germline.
Comment: The NBN c.505C>T variant is predicted to result in the amino acid substitution p.Arg169Cys. This variant has been observed within individuals with early-onset breast cancer and suspected Lynch syndrome (Maxwell et al. 2015. PubMed ID: 25503501, Supplementary Table 1; Yurgelun et al. 2015. PubMed ID: 25980754, Supplementary Table 2).  This variant was also reported in an individual with an unspecified cancer (Supplementary Table 2, Belhadj et al. 2023. PubMed ID: 36346689). However, this variant has also been reported in control cohorts (Supplemental Data 2, Momozawa et al. 2018. PubMed ID: 30287823). This variant is reported in 0.065% of alleles in individuals of East Asian descent in gnomAD and in ClinVar has conflicting interpretations ranging from  'likely benign' to a ‘variant of uncertain significance’. While we suspect that this variant is likely benign, at this time we interpret its clinical significance as uncertain due to the absence of conclusive functional and genetic evidence.

Quest Diagnostics Nichols Institute San Juan Capistrano
Classification: Uncertain significance. Last evaluated: 2025-03-21. Review status: criteria provided, single submitter. Criteria: Quest Diagnostics criteria. Collection method: clinical testing. Allele origin: unknown.
Comment: The NBN c.505C>T (p.Arg169Cys) variant has been reported in individuals with breast cancer (PMID: 30287823 (2018), 25503501 (2015), 25712764 (2015)), familial breast and/or ovarian cancer (PMID: 25980754 (2019), 32068069 (2020)), suspected Lynch syndrome (PMID: 25980754 (2015)), biliary tract carcinoma (PMID: 31666926 (2019)), pancreatic cancer (PMID: 32980694 (2020)), and colorectal cancer (PMID: 33309985 (2020)). This variant has also been reported in reportedly healthy individuals (PMID: 32980694 (2020), 33309985 (2020), 30287823 (2018)). The frequency of this variant in the general population, 0.00065 (13/19954 chromosomes), is uninformative in assessment of its pathogenicity. Analysis of this variant using bioinformatics tools for the prediction of the effect of amino acid changes on protein structure and function yielded predictions that this variant is benign. Based on the available information, we are unable to determine the clinical significance of this variant.

Labcorp Genetics (formerly Invitae), Labcorp
Classification: Uncertain significance for Microcephaly, normal intelligence and immunodeficiency. Last evaluated: 2025-01-15. Review status: criteria provided, single submitter. Criteria: Invitae Variant Classification Sherloc (09022015). Collection method: clinical testing. Allele origin: germline.
Comment: This sequence change replaces arginine, which is basic and polar, with cysteine, which is neutral and slightly polar, at codon 169 of the NBN protein (p.Arg169Cys). This variant is present in population databases (rs182756889, gnomAD 0.06%). This missense change has been observed in individual(s) with breast cancer (PMID: 25503501, 25712764, 25980754). ClinVar contains an entry for this variant (Variation ID: 127873). An algorithm developed to predict the effect of missense changes on protein structure and function outputs the following: PolyPhen-2: "Benign". The cysteine amino acid residue is found in multiple mammalian species, which suggests that this missense change does not adversely affect protein function. In summary, the available evidence is currently insufficient to determine the role of this variant in disease. Therefore, it has been classified as a Variant of Uncertain Significance.

Women's Health and Genetics/Laboratory Corporation of America, LabCorp
Classification: Uncertain significance. Last evaluated: 2024-10-07. Review status: criteria provided, single submitter. Criteria: LabCorp Variant Classification Summary - May 2015. Collection method: clinical testing. Allele origin: germline.
Comment: Variant summary: NBN c.505C>T (p.Arg169Cys) results in a non-conservative amino acid change in the encoded protein sequence. Three of five in-silico tools predict a damaging effect of the variant on protein function. The variant allele was found at a frequency of 0.00023 in 298708 control chromosomes (gnomAD and Momozawa_2018). The observed variant frequency in East Asia is approximately 4 fold of the estimated maximal expected allele frequency for a pathogenic variant in NBN causing Hereditary Breast and Ovarian Cancer Syndrome phenotype (0.00049 vs 0.00013), strongly suggesting that the variant is benign. c.505C>T has been reported in the literature in individuals affected with various types of cancers including but not limiting to breast and/or ovarian cancer, colorectal cancer, nasopharyngeal cancer and gall bladder cancer (example: Fujita_2020, Kwong_2020, Momozawa_2018, Terashima_2019, Wang_2018). To our knowledge, no experimental evidence demonstrating an impact on protein function has been reported. The following publications have been ascertained in the context of this evaluation (PMID: 36346689, 33309985, 33800431, 25712764, 32068069, 25503501, 30287823, 31666926, 25186627, 30982232, 25980754). ClinVar contains an entry for this variant (Variation ID: 127873). Based on the evidence outlined above, the variant was classified as VUS-possibly benign.

Blueprint Genetics
Classification: Uncertain significance. Last evaluated: 2024-09-06. Review status: criteria provided, single submitter. Criteria: ACMG Guidelines, 2015. Collection method: clinical testing. Allele origin: germline.

GeneDx
Classification: Uncertain significance. Last evaluated: 2024-08-06. Review status: criteria provided, single submitter. Criteria: GeneDx Variant Classification Process June 2021. Collection method: clinical testing. Allele origin: germline. Affected: yes.
Comment: In silico analysis supports that this missense variant does not alter protein structure/function; Observed in individuals with breast, pancreatic, and other cancers, but also in healthy control groups and in an individual with breast cancer and a co-occurring truncating BRCA1 variant (PMID: 25712764, 25503501, 25980754, 29522266, 30287823, 30982232, 33309985, 32068069, 32980694); This variant is associated with the following publications: (PMID: 25712764, 25980754, 25503501, 29522266, 33309985, 33800431, 36632296, 24894818, 25186627, 31666926, 32068069, 32980694, 32566746, 30287823, 30982232, 36427680, 36346689)

Institute for Biomarker Research, Medical Diagnostic Laboratories, L.L.C.
Classification: Uncertain significance for Hereditary cancer-predisposing syndrome. Last evaluated: 2024-04-09. Review status: criteria provided, single submitter. Criteria: ACMG Guidelines, 2015. Collection method: clinical testing. Allele origin: germline.

Ambry Genetics
Classification: Likely benign for Hereditary cancer-predisposing syndrome. Last evaluated: 2022-09-14. Review status: criteria provided, single submitter. Criteria: Ambry Variant Classification Scheme 2023. Collection method: clinical testing. Allele origin: germline.

Genome-Nilou Lab
Classification: Uncertain significance for Microcephaly, normal intelligence and immunodeficiency. Last evaluated: 2021-11-07. Review status: criteria provided, single submitter. Criteria: ACMG Guidelines, 2015. Collection method: clinical testing. Allele origin: germline. Affected: no.

Sema4
Classification: Uncertain significance for Hereditary cancer-predisposing syndrome. Last evaluated: 2021-10-21. Review status: criteria provided, single submitter. Criteria: Sema4 Curation Guidelines. Collection method: curation. Allele origin: germline.
Comment: The NBN c.505C>T (p.R169C) variant has been reported in heterozygosity in multiple individuals with breast, pancreatic, colorectal, and/or Lynch syndrome associated cancers (PMID: 25712764, 25980754, 33309985, 29522266, 25503501, 30287823, 32980694). In several of these studies, the variant was also detected in the control groups (PMID: 33309985, 30287823, 32980694). This variant was observed in 13/19954 chromosomes in the East Asian population, with no homozygotes, according to the Genome Aggregation Database (PMID: 32461654), and has been reported in ClinVar (Variation ID: 127873). Functional studies have not been performed, and in silico predictions of the variant's effect on protein function are inconclusive. The overall evidence is inconsistent with ACMG/AMP requirements for a classification of benign or pathogenic. In summary, the clinical significance of this variant is currently uncertain.

Cancer Genomics Group, Japanese Foundation For Cancer Research
Classification: Uncertain significance for Hereditary breast and ovarian cancer syndrome. Last evaluated: 2019-05-01. Review status: criteria provided, single submitter. Criteria: ACMG Guidelines, 2015. Collection method: research. Allele origin: germline. Affected: yes.

Fulgent Genetics
Classification: Uncertain significance for Microcephaly, normal intelligence and immunodeficiency; Aplastic anemia; Acute lymphoid leukemia. Last evaluated: 2018-10-31. Review status: criteria provided, single submitter. Criteria: ACMG Guidelines, 2015. Collection method: clinical testing. Allele origin: unknown.

Illumina Laboratory Services, Illumina
Classification: Uncertain significance for Microcephaly, normal intelligence and immunodeficiency. Last evaluated: 2018-01-12. Review status: criteria provided, single submitter. Criteria: ICSL Variant Classification Criteria 13 December 2019. Collection method: clinical testing. Allele origin: germline.

Natera, Inc.
Classification: Uncertain significance for Nijmegen breakage syndrome. Last evaluated: 2020-09-16. Review status: no assertion criteria provided. Collection method: clinical testing. Allele origin: germline. Not counted in ClinVar's aggregate classification.

Literature cited by the submitters: PubMed 25503501 (cited by 5 submitters); PubMed 25712764 (cited by 5 submitters); PubMed 25980754 (cited by 5 submitters); PubMed 32980694 (cited by Quest Diagnostics Nichols Institute San Juan Capistrano and Sema4); PubMed 36346689 (cited by Quest Diagnostics Nichols Institute San Juan Capistrano and Women's Health and Genetics/Laboratory Corporation of America, LabCorp); PubMed 30287823 (cited by 3 submitters); PubMed 33309985 (cited by 3 submitters); PubMed 32068069 (cited by Quest Diagnostics Nichols Institute San Juan Capistrano and Women's Health and Genetics/Laboratory Corporation of America, LabCorp); PubMed 31666926 (cited by Quest Diagnostics Nichols Institute San Juan Capistrano and Women's Health and Genetics/Laboratory Corporation of America, LabCorp); PubMed 30982232 (cited by Quest Diagnostics Nichols Institute San Juan Capistrano and Women's Health and Genetics/Laboratory Corporation of America, LabCorp); PubMed 25186627 (cited by Women's Health and Genetics/Laboratory Corporation of America, LabCorp); PubMed 33800431 (cited by Women's Health and Genetics/Laboratory Corporation of America, LabCorp); PubMed 29522266 (cited by Ambry Genetics and Sema4).

NM_002485.5(NBN):c.505C>T (p.Arg169Cys)

Gene: NBN (nibrin; minus strand). Cytogenetic location: 8q21.3.
Variant type: single nucleotide variant.
Coding change: c.505C>T on transcript NM_002485.5 (MANE Select); coding-DNA position 505, C replaced by T.
Protein change: p.Arg169Cys; replaces arginine 169 with cysteine.
Molecular consequence: missense variant.
Genome position (GRCh38, 1-based): chr8:89,978,299, G>A on the plus strand (C>T on the coding strand, the complement: NBN is on the minus strand). VCF-style: chr8-89978299-G-A. GRCh37 (hg19) VCF-style: chr8-90990527-G-A.
Other names: p.R169C:CGT>TGT; c.259C>T, p.Arg87Cys (NM_001024688.3); short protein forms R169C, R87C.
Identifiers: ClinVar variation 127873 (VCV000127873.43), dbSNP rs182756889, ClinGen allele CA287937.